The following is an entry in ClinVar:

ClinVar aggregate classification (germline): Likely benign. Review status: criteria provided, multiple submitters, no conflicts (2 of 4 stars). 3 submissions from 3 submitters: Likely benign (3). Last evaluated 2026-01-26.

Conditions:
Encephalopathy, acute, infection-induced (herpes-specific), susceptibility to, 6. Also called: Herpes simplex encephalitis, susceptibility to, 4. Identifiers: Orphanet 1930, MedGen C3553869, MONDO:0013921, OMIM 614850.

Allele frequency attached by ClinVar (database versions not stated): gnomAD 0.00020 and 0.00023; ESP Exome Variant Server 0.00031; TOPMed 0.00018; gnomAD exomes 0.00031 and 0.00028; ExAC 0.00031.
gnomAD v4.1: 474 of 1,612,430 alleles (0.029%); highest among the groups gnomAD compares: Non-Finnish European, 0.037%; 1 homozygote.

Submissions (3):

Labcorp Genetics (formerly Invitae), Labcorp
Classification: Likely benign for Encephalopathy, acute, infection-induced (herpes-specific), susceptibility to, 6. Last evaluated: 2026-01-26. Review status: criteria provided, single submitter. Criteria: Invitae Variant Classification Sherloc (09022015). Collection method: clinical testing. Allele origin: germline.

CeGaT Center for Human Genetics Tuebingen
Classification: Likely benign. Last evaluated: 2025-07-01. Review status: criteria provided, single submitter. Criteria: CeGaT Center For Human Genetics Tuebingen Variant Classification Criteria Version 2. Collection method: clinical testing. Allele origin: germline. Affected: yes. Observed: 1 variant allele.
Comment: TICAM1: BP4, BP7

Blueprint Genetics
Classification: Likely benign. Last evaluated: 2024-11-25. Review status: criteria provided, single submitter. Criteria: ACMG Guidelines, 2015. Collection method: clinical testing. Allele origin: germline.

NM_182919.4(TICAM1):c.181C>T (p.Leu61=)

Gene: TICAM1 (TIR domain containing adaptor molecule 1; minus strand). Cytogenetic location: 19p13.3.
Variant type: single nucleotide variant.
Coding change: c.181C>T on transcript NM_182919.4 (MANE Select); coding-DNA position 181, C replaced by T.
Protein change: p.Leu61=; no amino-acid change (leucine 61 retained).
Molecular consequence: synonymous variant. On other transcripts: intron variant (1).
Genome position (GRCh38, 1-based): chr19:4,818,197, G>A on the plus strand (C>T on the coding strand, the complement: TICAM1 is on the minus strand). VCF-style: chr19-4818197-G-A. GRCh37 (hg19) VCF-style: chr19-4818209-G-A.
Other names: c.139C>T, p.Leu47= (NM_001385678.1); c.46C>T, p.Leu16= (NM_001385679.1); c.-72+187C>T (NM_001385680.1).
Identifiers: ClinVar variation 714603 (VCV000714603.20), dbSNP rs149930656, ClinGen allele CA9105412.
Genomic context (GRCh38, chr19:4,818,197, plus strand): 5'-CCACGCCAGCCCACTGGCGGGCCACCAGCCGGGCCACCGCATCGGCCTTCAATGCCTCTA[G>A]AGAGATCCTGGCCTCAGTTTCCTGGCCCAGCTTCAGGAGAACCATGGCATGCAGGAGGTC-3'
Protein context (NP_891549.1, residues 51-71): LGQETEARIS[Leu61=]EALKADAVAR